The following is an entry in ClinVar:

NM_182977.3(NNT):c.600-32TTAT[4]

Gene: NNT (nicotinamide nucleotide transhydrogenase; plus strand). Cytogenetic location: 5p12.
Variant type: Microsatellite.
Coding change: c.600-32TTAT[4] on transcript NM_182977.3 (MANE Select); four copies in a row of the 4-base unit TTAT starting at c.600-32.
Molecular consequence: intron variant.
Genome position: GRCh38 VCF-style: chr5-43618999-ATTATTTAT-A. GRCh37 (hg19) VCF-style: chr5-43619101-ATTATTTAT-A.
Other names: c.600-32TTAT[4] (NM_012343.4); c.207-32TTAT[4] (NM_001331026.2).
Identifiers: ClinVar variation 3040831 (VCV003040831.2), dbSNP rs372737896, ClinGen allele CA3257758.

ClinVar aggregate classification (germline): Likely benign (0 of 4 stars; one submission).

Conditions:
NNT-related disorder. Also called: NNT-related condition.

Submission:

PreventionGenetics, part of Exact Sciences
Classification: Likely benign for NNT-related condition. Last evaluated: 2019-09-10. Review status: no assertion criteria provided. Collection method: clinical testing. Allele origin: germline.
Comment: This variant is classified as likely benign based on ACMG/AMP sequence variant interpretation guidelines (Richards et al. 2015 PMID: 25741868, with internal and published modifications).